The following is an entry in ClinVar:

ClinVar aggregate classification (germline): Likely benign. Review status: criteria provided, multiple submitters, no conflicts (2 of 4 stars). 3 submissions from 3 submitters: Likely benign (3). Last evaluated 2022-11-01.

Allele frequency attached by ClinVar (database versions not stated): ExAC 0.00189; ESP Exome Variant Server 0.00200; gnomAD 0.00205 and 0.00212; gnomAD exomes 0.00211 and 0.00241; 1000 Genomes Project 30x 0.00234; 1000 Genomes Project 0.00240; TOPMed 0.00274.
gnomAD v4.1: 3,843 of 1,613,552 alleles (0.24%); highest among the groups gnomAD compares: Admixed American, 0.54%; 15 homozygotes.

Submissions (3):

CeGaT Center for Human Genetics Tuebingen
Classification: Likely benign. Last evaluated: 2022-11-01. Review status: criteria provided, single submitter. Criteria: CeGaT Center For Human Genetics Tuebingen Variant Classification Criteria Version 2. Collection method: clinical testing. Allele origin: germline. Affected: yes. Observed: 2 variant alleles.
Comment: RBBP6: BP4, BP7

Genetic Services Laboratory, University of Chicago
Classification: Likely benign. Last evaluated: 2021-12-22. Review status: criteria provided, single submitter. Criteria: ACMG Guidelines, 2015. Collection method: clinical testing. Allele origin: germline. Affected: no.

Breakthrough Genomics
Classification: Likely benign. Review status: criteria provided, single submitter. Criteria: ACMG Guidelines, 2015. Collection method: not provided. Allele origin: germline. Inheritance: Unknown mechanism. Affected: yes.

NM_006910.5(RBBP6):c.4485A>G (p.Thr1495=)

Gene: RBBP6 (RB binding protein 6, ubiquitin ligase; plus strand). Cytogenetic location: 16p12.1.
Variant type: single nucleotide variant.
Coding change: c.4485A>G on transcript NM_006910.5 (MANE Select); coding-DNA position 4485, A replaced by G.
Protein change: p.Thr1495=; no amino-acid change (threonine 1495 retained).
Molecular consequence: synonymous variant.
Genome position (GRCh38, 1-based): chr16:24,571,551, A>G. VCF-style: chr16-24571551-A-G. GRCh37 (hg19) VCF-style: chr16-24582872-A-G.
Other names: c.4383A>G, p.Thr1461= (NM_018703.4).
Identifiers: ClinVar variation 1337538 (VCV001337538.29), dbSNP rs141394682, ClinGen allele CA7967961.